The following is an entry in ClinVar:

NM_004656.4(BAP1):c.577C>G (p.His193Asp)

Gene: BAP1 (BRCA1 associated deubiquitinase 1; minus strand). Cytogenetic location: 3p21.1.
Variant type: single nucleotide variant.
Coding change: c.577C>G on transcript NM_004656.4 (MANE Select); coding-DNA position 577, C replaced by G.
Protein change: p.His193Asp; replaces histidine 193 with aspartic acid.
Molecular consequence: missense variant.
Genome position (GRCh38, 1-based): chr3:52,407,177, G>C on the plus strand (C>G on the coding strand, the complement: BAP1 is on the minus strand). VCF-style: chr3-52407177-G-C. GRCh37 (hg19) VCF-style: chr3-52441193-G-C.
Other names: c.577C>G, p.His193Asp (NM_001410772.1); short protein forms H193D.
Identifiers: ClinVar variation 4824083 (VCV004824083.1).

ClinVar aggregate classification (germline): Uncertain significance (1 of 4 stars; one submission).

Conditions:
Hereditary cancer-predisposing syndrome. Also called: Neoplastic Syndromes, Hereditary; Hereditary neoplastic syndrome; Tumor predisposition; Hereditary Cancer Syndrome. Identifiers: Orphanet 140162, MedGen C0027672, MeSH D009386, MONDO:0015356.

Submission:

Ambry Genetics
Classification: Uncertain significance for Hereditary cancer-predisposing syndrome. Last evaluated: 2026-01-14. Review status: criteria provided, single submitter. Criteria: Ambry Variant Classification Scheme 2023. Collection method: clinical testing. Allele origin: germline.
Comment: The p.H193D variant (also known as c.577C>G), located in coding exon 7 of the BAP1 gene, results from a C to G substitution at nucleotide position 577. The histidine at codon 193 is replaced by aspartic acid, an amino acid with similar properties. This amino acid position is conserved. In addition, this alteration is predicted to be deleterious by in silico analysis. Based on the available evidence, the clinical significance of this variant remains unclear.